The following is an entry in ClinVar:

NM_031935.3(HMCN1):c.302A>G (p.Lys101Arg)

Gene: HMCN1 (hemicentin 1; plus strand). Cytogenetic location: 1q31.1.
Variant type: single nucleotide variant.
Coding change: c.302A>G on transcript NM_031935.3 (MANE Select); coding-DNA position 302, A replaced by G.
Protein change: p.Lys101Arg; replaces lysine 101 with arginine.
Molecular consequence: missense variant.
Genome position (GRCh38, 1-based): chr1:185,846,059, A>G. VCF-style: chr1-185846059-A-G. GRCh37 (hg19) VCF-style: chr1-185815191-A-G.
Other names: c.302A>G (NM_031935.2); short protein forms K101R.
Identifiers: ClinVar variation 1382774 (VCV001382774.7), dbSNP rs774524448, ClinGen allele CA1290788.
Genomic context (GRCh38, chr1:185,846,059, plus strand): 5'-TGACCTATGTTATTTTTATCTTCACAGAAATTGGCCCAGTGACAATTACCACAGATCCCA[A>G]GAAATTTCAATATGAACTCAGAGAACTGTATGTTCAGGTGAGTGCTTGCTTTCAGTGTTC-3'
Protein context (NP_114141.2, residues 91-111): IGPVTITTDP[Lys101Arg]KFQYELRELY

ClinVar aggregate classification (germline): Uncertain significance. Review status: criteria provided, multiple submitters, no conflicts (2 of 4 stars). 2 submissions from 2 submitters: Uncertain significance (2). Last evaluated 2025-03-18.

Allele frequency attached by ClinVar (database versions not stated): ExAC 0.00001; gnomAD 0.00001; gnomAD exomes 0.00001 and below 0.00001.
gnomAD v4.1: 9 of 1,612,534 alleles (0.00056%); highest among the groups gnomAD compares: Admixed American, 0.0017%; no homozygotes.

Submissions (2):

Ambry Genetics
Classification: Uncertain significance. Last evaluated: 2025-03-18. Review status: criteria provided, single submitter. Criteria: Ambry Variant Classification Scheme 2023. Collection method: clinical testing. Allele origin: germline.

Labcorp Genetics (formerly Invitae), Labcorp
Classification: Uncertain significance. Last evaluated: 2025-02-18. Review status: criteria provided, single submitter. Criteria: Invitae Variant Classification Sherloc (09022015). Collection method: clinical testing. Allele origin: germline.
Comment: This sequence change replaces lysine, which is basic and polar, with arginine, which is basic and polar, at codon 101 of the HMCN1 protein (p.Lys101Arg). This variant is present in population databases (rs774524448, gnomAD 0.003%). This variant has not been reported in the literature in individuals affected with HMCN1-related conditions. ClinVar contains an entry for this variant (Variation ID: 1382774). An algorithm developed to predict the effect of missense changes on protein structure and function (PolyPhen-2) suggests that this variant is likely to be disruptive. In summary, the available evidence is currently insufficient to determine the role of this variant in disease. Therefore, it has been classified as a Variant of Uncertain Significance.